The following is an entry in ClinVar:

ClinVar aggregate classification (germline): Uncertain significance (1 of 4 stars; one submission).

Conditions:
Hereditary cancer-predisposing syndrome. Also called: Hereditary Cancer Syndrome; Neoplastic Syndromes, Hereditary; Tumor predisposition; Hereditary neoplastic syndrome. Identifiers: Orphanet 140162, MedGen C0027672, MeSH D009386, MONDO:0015356.

Allele frequency attached by ClinVar (database versions not stated): gnomAD exomes below 0.00001; TOPMed below 0.00001; gnomAD 0.00001.

Submission:

Ambry Genetics
Classification: Uncertain significance for Hereditary cancer-predisposing syndrome. Last evaluated: 2021-04-14. Review status: criteria provided, single submitter. Criteria: Ambry Variant Classification Scheme 2023. Collection method: clinical testing. Allele origin: germline.
Comment: The p.R587K variant (also known as c.1760G>A), located in coding exon 14 of the MRE11A gene, results from a G to A substitution at nucleotide position 1760. The arginine at codon 587 is replaced by lysine, an amino acid with highly similar properties. This amino acid position is highly conserved in available vertebrate species. In addition, the in silico prediction for this alteration is inconclusive. Since supporting evidence is limited at this time, the clinical significance of this alteration remains unclear.

NM_005591.4(MRE11):c.1760G>A (p.Arg587Lys)

Gene: MRE11 (MRE11 double strand break repair nuclease; minus strand). Cytogenetic location: 11q21.
Variant type: single nucleotide variant.
Coding change: c.1760G>A on transcript NM_005591.4 (MANE Select); coding-DNA position 1760, G replaced by A.
Protein change: p.Arg587Lys; replaces arginine 587 with lysine.
Molecular consequence: missense variant.
Genome position (GRCh38, 1-based): chr11:94,447,242, C>T on the plus strand (G>A on the coding strand, the complement: MRE11 is on the minus strand). VCF-style: chr11-94447242-C-T. GRCh37 (hg19) VCF-style: chr11-94180408-C-T.
Other names: c.1760G>A, p.Arg587Lys (NM_001330347.2, NM_005590.4); short protein forms R587K.
Identifiers: ClinVar variation 479760 (VCV000479760.5), dbSNP rs1239242056, ClinGen allele CA382368105.
Genomic context (GRCh38, chr11:94,447,242, plus strand): 5'-AAGTGTGAATGTGCACAGGACTGAACTCAGTGCTCACCTCTTCCTCTTTGAGACCCTCCT[C>T]TCGATGCTGAATTCTGCCCTCTTCCACCTCTTCGACCTCTTCCTCGGCCTCTTCCTTTGT-3'
Protein context (NP_005582.1, residues 577-597): RGGRGQNSAS[Arg587Lys]GGSQRGRADT